The following is an entry in ClinVar:

NC_012920.1(MT-CYB):m.15214T>C

Gene: MT-CYB (mitochondrially encoded cytochrome b; plus strand).
Variant type: single nucleotide variant.
Genome position: chrM-15214-T-C.
Identifiers: ClinVar variation 143876 (VCV000143876.4), dbSNP rs527236173, ClinGen allele CA270607.
Genomic context (GRCh38, chrMT:15,214, plus strand): 5'-CCAAATATCATTCTGAGGGGCCACAGTAATTACAAACTTACTATCCGCCATCCCATACAT[T>C]GGGACAGACCTAGTTCAATGAATCTGAGGAGGCTACTCAGTAGACAGTCCCACCCTCACA-3'

ClinVar aggregate classification (germline): Benign. Review status: criteria provided, single submitter (1 of 4 stars). 2 submissions from 2 submitters: Benign (1). 1 of the submissions does not count toward it. Last evaluated 2022-05-04.

Conditions:
Familial cancer of breast. Also called: BREAST CANCER, FAMILIAL; Hereditary breast cancer; hereditary breast carcinoma. Identifiers: Orphanet 227535, MedGen C0346153, MONDO:0016419, OMIM 114480. Disease mechanism: loss of function.

Submissions (2):

Mendelics
Classification: Benign. Last evaluated: 2022-05-04. Review status: criteria provided, single submitter. Criteria: Mendelics Assertion Criteria 2019. Collection method: clinical testing. Allele origin: germline.

Department of Zoology Govt. MVM College
Classification: Likely pathogenic for Familial cancer of breast. Review status: no assertion criteria provided. Collection method: not provided. Allele origin: unknown. Not counted in ClinVar's aggregate classification.
Comment: KM276981
ClinVar note: Converted during submission from probable-pathogenic to Likely pathogenic.